The following is an entry in ClinVar:

NM_001395413.1(POR):c.34G>A (p.Val12Met)

Gene: POR (cytochrome p450 oxidoreductase; plus strand). Cytogenetic location: 7q11.23.
Variant type: single nucleotide variant.
Coding change: c.34G>A on transcript NM_001395413.1 (MANE Select); coding-DNA position 34, G replaced by A.
Protein change: p.Val12Met; replaces valine 12 with methionine.
Molecular consequence: missense variant.
Genome position (GRCh38, 1-based): chr7:75,954,035, G>A. VCF-style: chr7-75954035-G-A. GRCh37 (hg19) VCF-style: chr7-75583353-G-A.
Other names: c.34G>A, p.Val12Met (NM_001367562.3, NM_001382655.3, NM_001382657.2 and 3 more transcripts); c.43G>A (NM_000941.2); short protein forms V12M.
Identifiers: ClinVar variation 1400596 (VCV001400596.8), dbSNP rs369118442, ClinGen allele CA4303432.
Genomic context (GRCh38, chr7:75,954,035, plus strand): 5'-CTGTCTCCTAACAGTTTCATGATCAACATGGGAGACTCCCACGTGGACACCAGCTCCACC[G>A]TGTCCGAGGCGGTGGCCGAAGAAGTATCTCTTTTCAGCATGACGGACATGATTCTGTTTT-3'
Protein context (NP_001382342.1, residues 2-22): GDSHVDTSST[Val12Met]SEAVAEEVSL

ClinVar aggregate classification (germline): Uncertain significance. Review status: criteria provided, multiple submitters, no conflicts (2 of 4 stars). 2 submissions from 2 submitters: Uncertain significance (2). Last evaluated 2024-12-03.

Conditions:
Congenital adrenal hyperplasia due to cytochrome P450 oxidoreductase deficiency. Also called: DISORDERED STEROIDOGENESIS DUE TO POR DEFICIENCY. Identifiers: Orphanet 95699, MedGen C1860042, MONDO:0013310, OMIM 613571.
Inborn genetic diseases. Identifiers: MedGen C0950123, MeSH D030342.

Allele frequency attached by ClinVar (database versions not stated): gnomAD exomes 0.00001; gnomAD 0.00003 and 0.00004; ESP Exome Variant Server 0.00016.
gnomAD v4.1: 21 of 1,609,106 alleles (0.0013%); highest among the groups gnomAD compares: African/African-American, 0.0093%; no homozygotes.

Submissions (2):

Ambry Genetics
Classification: Uncertain significance for Inborn genetic diseases. Last evaluated: 2024-12-03. Review status: criteria provided, single submitter. Criteria: Ambry Variant Classification Scheme 2023. Collection method: clinical testing. Allele origin: germline.

Labcorp Genetics (formerly Invitae), Labcorp
Classification: Uncertain significance for Congenital adrenal hyperplasia due to cytochrome P450 oxidoreductase deficiency. Last evaluated: 2024-02-10. Review status: criteria provided, single submitter. Criteria: Invitae Variant Classification Sherloc (09022015). Collection method: clinical testing. Allele origin: germline.
Comment: This sequence change replaces valine, which is neutral and non-polar, with methionine, which is neutral and non-polar, at codon 15 of the POR protein (p.Val15Met). This variant is present in population databases (rs369118442, gnomAD 0.01%). This variant has not been reported in the literature in individuals affected with POR-related conditions. ClinVar contains an entry for this variant (Variation ID: 1400596). Algorithms developed to predict the effect of missense changes on protein structure and function output the following: SIFT: "Not Available"; PolyPhen-2: "Benign"; Align-GVGD: "Not Available". The methionine amino acid residue is found in multiple mammalian species, which suggests that this missense change does not adversely affect protein function. In summary, the available evidence is currently insufficient to determine the role of this variant in disease. Therefore, it has been classified as a Variant of Uncertain Significance.